The following is an entry in ClinVar:

NM_015465.5(GEMIN5):c.628G>T (p.Asp210Tyr)

Gene: GEMIN5 (gem nuclear organelle associated protein 5; minus strand). Cytogenetic location: 5q33.2.
Variant type: single nucleotide variant.
Coding change: c.628G>T on transcript NM_015465.5 (MANE Select); coding-DNA position 628, G replaced by T.
Protein change: p.Asp210Tyr; replaces aspartic acid 210 with tyrosine.
Molecular consequence: missense variant.
Genome position (GRCh38, 1-based): chr5:154,932,132, C>A on the plus strand (G>T on the coding strand, the complement: GEMIN5 is on the minus strand). VCF-style: chr5-154932132-C-A. GRCh37 (hg19) VCF-style: chr5-154311692-C-A.
Other names: NM_001252156.2:c.628G>T; c.628G>T, p.Asp210Tyr (NM_001252156.2); short protein forms D210Y.
Identifiers: ClinVar variation 3383324 (VCV003383324.1).

ClinVar aggregate classification (germline): Uncertain significance (1 of 4 stars; one submission).

Conditions:
Neurodevelopmental disorder with cerebellar atrophy and motor dysfunction. Identifiers: MedGen C5543427, MONDO:0859152, OMIM 619333.

Submission:

Broad Center for Mendelian Genomics, Broad Institute of MIT and Harvard
Classification: Uncertain significance for Neurodevelopmental disorder with cerebellar atrophy and motor dysfunction. Last evaluated: 2024-11-27. Review status: criteria provided, single submitter. Criteria: ACMG Guidelines, 2015. Collection method: curation. Allele origin: germline. Inheritance: Autosomal recessive inheritance. Study: GREGoR Consortium.
Comment: Trio exome analysis revealed that this variant was in trans with the likely pathogenic variant. This variant has not been previously reported in the literature in individuals with neurodevelopmental disorder with cerebellar atrophy and motor dysfunction, and was absent from large population studies. Computational prediction tools and conservation analyses suggest that this variant may impact the protein, though this information is not predictive enough to determine pathogenicity. In summary, the clinical significance of the p.Asp210Tyr variant is uncertain. ACMG/AMP Criteria applied: PM3, PP3, PM2_supporting (Richards 2015).